The following is an entry in ClinVar:

ClinVar aggregate classification (germline): Uncertain significance (1 of 4 stars; one submission).

Conditions:
Neuronopathy, distal hereditary motor, type 7A. Also called: Neuronopathy, distal hereditary motor, type viia; NEURONOPATHY, DISTAL HEREDITARY MOTOR, HARDING TYPE VIIA; NEUROPATHY, DISTAL HEREDITARY MOTOR, HARDING TYPE VIIA; Neuronopathy, distal hereditary motor, autosomal dominant 7; HARPER-YOUNG MYOPATHY; HMN VIIA. Identifiers: Orphanet 139589, MedGen C1834703, MONDO:0008024, OMIM 158580.
Congenital myasthenic syndrome 20. Also called: Myasthenic syndrome, congenital, 20, presynaptic. Identifiers: MedGen C4310694, MONDO:0014939, OMIM 617143.

Submission:

Labcorp Genetics (formerly Invitae), Labcorp
Classification: Uncertain significance for Neuronopathy, distal hereditary motor, type 7A; Congenital myasthenic syndrome 20. Last evaluated: 2023-07-28. Review status: criteria provided, single submitter. Criteria: Invitae Variant Classification Sherloc (09022015). Collection method: clinical testing. Allele origin: germline.
Comment: This sequence change replaces phenylalanine, which is neutral and non-polar, with leucine, which is neutral and non-polar, at codon 488 of the SLC5A7 protein (p.Phe488Leu). This variant is not present in population databases (gnomAD no frequency). This variant has not been reported in the literature in individuals affected with SLC5A7-related conditions. Advanced modeling of protein sequence and biophysical properties (such as structural, functional, and spatial information, amino acid conservation, physicochemical variation, residue mobility, and thermodynamic stability) performed at Invitae indicates that this missense variant is not expected to disrupt SLC5A7 protein function. In summary, the available evidence is currently insufficient to determine the role of this variant in disease. Therefore, it has been classified as a Variant of Uncertain Significance.

NM_021815.5(SLC5A7):c.1462T>C (p.Phe488Leu)

Gene: SLC5A7 (solute carrier family 5 member 7; plus strand). Cytogenetic location: 2q12.3.
Variant type: single nucleotide variant.
Coding change: c.1462T>C on transcript NM_021815.5 (MANE Select); coding-DNA position 1462, T replaced by C.
Protein change: p.Phe488Leu; replaces phenylalanine 488 with leucine.
Molecular consequence: missense variant.
Genome position (GRCh38, 1-based): chr2:108,010,580, T>C. VCF-style: chr2-108010580-T-C. GRCh37 (hg19) VCF-style: chr2-108627036-T-C.
Other names: c.1462T>C, p.Phe488Leu (NM_001305005.3); c.1147T>C, p.Phe383Leu (NM_001305006.3); c.721T>C, p.Phe241Leu (NM_001305007.3); short protein forms F383L, F241L, F488L.
Identifiers: ClinVar variation 2950400 (VCV002950400.3), dbSNP rs2467133596, ClinGen allele CA348114630.